The following is an entry in ClinVar:

ClinVar aggregate classification (germline): Pathogenic. Review status: criteria provided, multiple submitters, no conflicts (2 of 4 stars). 3 submissions from 3 submitters: Pathogenic (3). Last evaluated 2023-04-11.

Conditions:
Glycogen storage disease type III (GSD3). Also called: FORBES DISEASE; Cori disease. Identifiers: Orphanet 366, MedGen C0017922, MONDO:0009291, OMIM 232400.

Submissions (3):

Genome-Nilou Lab
Classification: Pathogenic for Glycogen storage disease type III. Last evaluated: 2023-04-11. Review status: criteria provided, single submitter. Criteria: ACMG Guidelines, 2015. Collection method: clinical testing. Allele origin: germline. Affected: no.

Centre for Human Genetics
Classification: Pathogenic for Glycogen storage disease type III. Last evaluated: 2020-10-09. Review status: criteria provided, single submitter. Criteria: ACMG Guidelines, 2015. Collection method: clinical testing. Allele origin: inherited. Inheritance: Autosomal recessive inheritance. Affected: yes. Observed: 1 variant allele.
Comment: disease causing

Kasturba Medical College, Manipal, Kasturba Medical College, Manipal, Manipal Academy of Higher Education, Manipal, India
Classification: Pathogenic for Glycogen storage disease type III. Review status: criteria provided, single submitter. Criteria: ACMG Guidelines, 2015. Collection method: clinical testing. Allele origin: inherited. Inheritance: Autosomal recessive inheritance. Affected: yes.

NM_000642.3(AGL):c.2996del (p.Pro999fs)

Gene: AGL (amylo-alpha-1,6-glucosidase and 4-alpha-glucanotransferase; plus strand). Cytogenetic location: 1p21.2.
Variant type: Deletion.
Coding change: c.2996del on transcript NM_000642.3 (MANE Select); coding-DNA position 2996, one base deleted (C; older notation c.2996delC).
Protein change: p.Pro999fs; shifts the reading frame from proline 999.
Molecular consequence: frameshift variant.
Genome position (GRCh38, 1-based): chr1:99,891,652, C deleted; the last of 3 consecutive C bases (chr1:99,891,650-99,891,652); deleting any one gives the same sequence. VCF-style (leftmost placement, unchanged base first): chr1-99891649-TC-T. GRCh37 (hg19) VCF-style: chr1-100357205-TC-T.
Other names: c.2996delC (NM_000028.2, NM_000642.3); c.2996delC, p.Pro999Hisfs (NM_000028.3, NM_000643.3, NM_000644.3 and 1 more transcripts); c.2948delC, p.Pro983Hisfs (NM_000646.3); c.2975delC, p.Pro992Hisfs (NM_001425326.1); c.2795delC, p.Pro932Hisfs (NM_001425327.1); c.2792delC, p.Pro931Hisfs (NM_001425328.1); c.2657delC, p.Pro886Hisfs (NM_001425329.1); c.2618delC, p.Pro873Hisfs (NM_001425332.1); short protein forms P983fs, P999fs.
Identifiers: ClinVar variation 998103 (VCV000998103.4), dbSNP rs1652909202, ClinGen allele CA1183933377.